The following is an entry in ClinVar:

ClinVar aggregate classification (germline): Uncertain significance. Review status: criteria provided, multiple submitters, no conflicts (2 of 4 stars). 2 submissions from 2 submitters: Uncertain significance (2). Last evaluated 2024-04-15.

Allele frequency attached by ClinVar (database versions not stated): gnomAD 0.00001.
gnomAD v4.1: 45 of 1,613,432 alleles (0.0028%); highest among the groups gnomAD compares: Non-Finnish European, 0.0035%; no homozygotes.

Submissions (2):

Labcorp Genetics (formerly Invitae), Labcorp
Classification: Uncertain significance. Last evaluated: 2024-04-15. Review status: criteria provided, single submitter. Criteria: Invitae Variant Classification Sherloc (09022015). Collection method: clinical testing. Allele origin: germline.
Comment: This sequence change replaces serine, which is neutral and polar, with leucine, which is neutral and non-polar, at codon 2210 of the TRIOBP protein (p.Ser2210Leu). This variant is present in population databases (rs372581888, gnomAD 0.008%). This variant has not been reported in the literature in individuals affected with TRIOBP-related conditions. ClinVar contains an entry for this variant (Variation ID: 2142354). An algorithm developed to predict the effect of missense changes on protein structure and function (PolyPhen-2) suggests that this variant is likely to be disruptive. In summary, the available evidence is currently insufficient to determine the role of this variant in disease. Therefore, it has been classified as a Variant of Uncertain Significance.

Blueprint Genetics
Classification: Uncertain significance. Last evaluated: 2021-09-01. Review status: criteria provided, single submitter. Criteria: ACMG Guidelines, 2015. Collection method: clinical testing. Allele origin: germline.

NM_001039141.3(TRIOBP):c.6629C>T (p.Ser2210Leu)

Gene: TRIOBP (TRIO and F-actin binding protein; plus strand). Cytogenetic location: 22q13.1.
Variant type: single nucleotide variant.
Coding change: c.6629C>T on transcript NM_001039141.3 (MANE Select); coding-DNA position 6629, C replaced by T.
Protein change: p.Ser2210Leu; replaces serine 2210 with leucine.
Molecular consequence: missense variant.
Genome position (GRCh38, 1-based): chr22:37,769,081, C>T. VCF-style: chr22-37769081-C-T. GRCh37 (hg19) VCF-style: chr22-38165088-C-T.
Other names: c.1490C>T, p.Ser497Leu (NM_007032.5); short protein forms S497L, S2210L.
Identifiers: ClinVar variation 2142354 (VCV002142354.5), dbSNP rs372581888, ClinGen allele CA10225123.